The following is an entry in ClinVar:

NM_004523.4(KIF11):c.1666C>T (p.Gln556Ter)

Gene: KIF11 (kinesin family member 11; plus strand). Cytogenetic location: 10q23.33.
Variant type: single nucleotide variant.
Coding change: c.1666C>T on transcript NM_004523.4 (MANE Select); coding-DNA position 1666, C replaced by T.
Protein change: p.Gln556Ter; replaces glutamine 556 with a stop codon.
Molecular consequence: nonsense.
Genome position (GRCh38, 1-based): chr10:92,632,657, C>T. VCF-style: chr10-92632657-C-T. GRCh37 (hg19) VCF-style: chr10-94392414-C-T.
Other names: short protein forms Q556*.
Identifiers: ClinVar variation 4846835 (VCV004846835.1).

ClinVar aggregate classification (germline): Likely pathogenic (1 of 4 stars; one submission).

Conditions:
Microcephaly with or without chorioretinopathy, lymphedema, or impaired intellectual development. Also called: MICROCEPHALY, LYMPHEDEMA, CHORIORETINAL DYSPLASIA SYNDROME; Microcephaly lymphedema chorioretinal dysplasia; MICROCEPHALY AND CHORIORETINOPATHY WITH OR WITHOUT MENTAL RETARDATION, AUTOSOMAL DOMINANT; Microcephaly with or without chorioretinopathy, lymphedema, or mental retardation; Microcephaly with or without chorioretinopathy, lymphedema, or intellectual disability. Identifiers: Orphanet 2526, MedGen C1835265, MONDO:0007918, OMIM 152950.

Submission:

Laboratorio de Genetica e Diagnostico Molecular, Hospital Israelita Albert Einstein
Classification: Likely pathogenic for Microcephaly with or without chorioretinopathy, lymphedema, or impaired intellectual development. Last evaluated: 2025-08-19. Review status: criteria provided, single submitter. Criteria: ACMG Guidelines, 2015. Collection method: clinical testing. Allele origin: germline. Affected: yes.
Comment: ACMG classification criteria: PVS1 very strong, PM2 supporting